The following is an entry in ClinVar:

NM_000059.4(BRCA2):c.613A>G (p.Ser205Gly)

Gene: BRCA2 (BRCA2 DNA repair associated; plus strand). Cytogenetic location: 13q13.1.
Variant type: single nucleotide variant.
Coding change: c.613A>G on transcript NM_000059.4 (MANE Select); coding-DNA position 613, A replaced by G.
Protein change: p.Ser205Gly; replaces serine 205 with glycine.
Molecular consequence: missense variant. On other transcripts: non-coding transcript variant (1).
Genome position (GRCh38, 1-based): chr13:32,326,595, A>G. VCF-style: chr13-32326595-A-G. GRCh37 (hg19) VCF-style: chr13-32900732-A-G.
Other names: c.613A>G, p.Ser205Gly (NM_001406719.1, NM_001406720.1, NM_001406721.1 and 1 more transcripts); c.244A>G, p.Ser82Gly (NM_001406722.1); short protein forms S205G, S82G.
Identifiers: ClinVar variation 3482099 (VCV003482099.3).

ClinVar aggregate classification (germline): Uncertain significance. Review status: criteria provided, multiple submitters, no conflicts (2 of 4 stars). 2 submissions from 2 submitters: Uncertain significance (2). Last evaluated 2025-02-07.

Conditions:
Hereditary cancer-predisposing syndrome. Also called: Tumor predisposition; Neoplastic Syndromes, Hereditary; Hereditary Cancer Syndrome; Hereditary neoplastic syndrome. Identifiers: Orphanet 140162, MedGen C0027672, MeSH D009386, MONDO:0015356.
Hereditary breast ovarian cancer syndrome. Also called: Hereditary breast and ovarian cancer; Breast and ovarian cancer; Hereditary breast and/or ovarian cancer syndrome; Hereditary breast and ovarian cancer syndrome; BRCA1- and BRCA2-Associated Hereditary Breast and Ovarian Cancer; Hereditary breast and ovarian cancer syndrome (HBOC). Identifiers: Orphanet 145, MedGen C0677776, MeSH D061325, MONDO:0003582. Disease mechanism: loss of function.

Submissions (2):

Labcorp Genetics (formerly Invitae), Labcorp
Classification: Uncertain significance for Hereditary breast ovarian cancer syndrome. Last evaluated: 2025-02-07. Review status: criteria provided, single submitter. Criteria: Invitae Variant Classification Sherloc (09022015). Collection method: clinical testing. Allele origin: germline.
Comment: This sequence change replaces serine, which is neutral and polar, with glycine, which is neutral and non-polar, at codon 205 of the BRCA2 protein (p.Ser205Gly). This variant is not present in population databases (gnomAD no frequency). This variant has not been reported in the literature in individuals affected with BRCA2-related conditions. ClinVar contains an entry for this variant (Variation ID: 3482099). Invitae Evidence Modeling of protein sequence and biophysical properties (such as structural, functional, and spatial information, amino acid conservation, physicochemical variation, residue mobility, and thermodynamic stability) indicates that this missense variant is not expected to disrupt BRCA2 protein function with a negative predictive value of 95%. In summary, the available evidence is currently insufficient to determine the role of this variant in disease. Therefore, it has been classified as a Variant of Uncertain Significance.

Ambry Genetics
Classification: Uncertain significance for Hereditary cancer-predisposing syndrome. Last evaluated: 2024-09-18. Review status: criteria provided, single submitter. Criteria: Ambry Variant Classification Scheme 2023. Collection method: clinical testing. Allele origin: germline.
Comment: The p.S205G variant (also known as c.613A>G), located in coding exon 6 of the BRCA2 gene, results from an A to G substitution at nucleotide position 613. The serine at codon 205 is replaced by glycine, an amino acid with similar properties. This amino acid position is conserved. In addition, this alteration is predicted to be tolerated by in silico analysis. Based on the available evidence, the clinical significance of this variant remains unclear.